The following is an entry in ClinVar:

NM_014956.5(CEP164):c.396C>T (p.Ala132=)

Gene: CEP164 (centrosomal protein 164; plus strand). Cytogenetic location: 11q23.3.
Variant type: single nucleotide variant.
Coding change: c.396C>T on transcript NM_014956.5 (MANE Select); coding-DNA position 396, C replaced by T.
Protein change: p.Ala132=; no amino-acid change (alanine 132 retained).
Molecular consequence: synonymous variant.
Genome position (GRCh38, 1-based): chr11:117,361,837, C>T. VCF-style: chr11-117361837-C-T. GRCh37 (hg19) VCF-style: chr11-117232553-C-T.
Other names: c.396C>T, p.Ala132= (NM_001271933.2).
Identifiers: ClinVar variation 793764 (VCV000793764.11), dbSNP rs145551039, ClinGen allele CA229385059.

ClinVar aggregate classification (germline): Likely benign. Review status: criteria provided, single submitter (1 of 4 stars). 2 submissions from 2 submitters: Likely benign (1). 1 of the submissions does not count toward it. Last evaluated 2023-02-24.

Conditions:
Nephronophthisis 15 (NPHP15). Identifiers: Orphanet 3156, MedGen C3541853, MONDO:0013917, OMIM 614845.
CEP164-related disorder. Also called: CEP164-related condition.

Allele frequency attached by ClinVar (database versions not stated): gnomAD exomes 0.00001 and below 0.00001; gnomAD 0.00003 and 0.00002; TOPMed 0.00002; ESP Exome Variant Server 0.00008.
gnomAD v4.1: 24 of 1,614,090 alleles (0.0015%); highest among the groups gnomAD compares: Middle Eastern, 0.033%; no homozygotes.

Submissions (2):

Labcorp Genetics (formerly Invitae), Labcorp
Classification: Likely benign for Nephronophthisis 15. Last evaluated: 2023-02-24. Review status: criteria provided, single submitter. Criteria: Invitae Variant Classification Sherloc (09022015). Collection method: clinical testing. Allele origin: germline.

PreventionGenetics, part of Exact Sciences
Classification: Likely benign for CEP164-related condition. Last evaluated: 2023-08-24. Review status: no assertion criteria provided. Collection method: clinical testing. Allele origin: germline. Not counted in ClinVar's aggregate classification.
Comment: This variant is classified as likely benign based on ACMG/AMP sequence variant interpretation guidelines (Richards et al. 2015 PMID: 25741868, with internal and published modifications).